The following is an entry in ClinVar:

NM_015662.3(IFT172):c.4161-2A>G

Gene: IFT172 (intraflagellar transport 172; minus strand). Cytogenetic location: 2p23.3.
Variant type: single nucleotide variant.
Coding change: c.4161-2A>G on transcript NM_015662.3 (MANE Select); the canonical splice acceptor site of the intron before coding-DNA position 4161, A replaced by G.
Molecular consequence: splice acceptor variant.
Genome position (GRCh38, 1-based): chr2:27,449,564, T>C on the plus strand (A>G on the coding strand, the complement: IFT172 is on the minus strand). VCF-style: chr2-27449564-T-C. GRCh37 (hg19) VCF-style: chr2-27672431-T-C.
Other names: c.4095-2A>G (NM_001410739.1).
Identifiers: ClinVar variation 4997688 (VCV004997688.1).
Genomic context (GRCh38, chr2:27,449,564, plus strand): 5'-CCACTTTGCCCTGATTCTTGAGGAACTCTTTATAATGCTGGTCCACATAGTCTTCATACC[T>C]GTGAAGATGTTCAGAGAGCTCCATCTTCATGTTCCAGAATACCAACCCTCCCGGTAAGAC-3'

ClinVar aggregate classification (germline): Likely pathogenic (1 of 4 stars; one submission).

Conditions:
IFT172-related disorder. Also called: IFT172-related disorders; IFT172-related condition.

Submission:

PreventionGenetics, part of Exact Sciences
Classification: Likely pathogenic for IFT172-related condition. Last evaluated: 2025-06-23. Review status: criteria provided, single submitter. Criteria: ACMG Guidelines, 2015. Collection method: clinical testing. Allele origin: germline.
Comment: The IFT172 c.4161-2A>G variant is predicted to disrupt the AG splice acceptor site and interfere with normal splicing. This variant is predicted to disrupt a canonical splice acceptor site based on available prediction algorithms (SpliceAI, Jaganathan et al. 2019. PubMed ID: 30661751). To our knowledge, this variant has not been reported in the literature or in a large population database (gnomAD), indicating this variant is rare. Variants that disrupt the consensus splice acceptor site in IFT172 are expected to be pathogenic. This variant is interpreted as likely pathogenic.